The following is an entry in ClinVar:

NM_001399.5(EDA):c.986T>G (p.Phe329Cys)

Gene: EDA (ectodysplasin A; plus strand). Cytogenetic location: Xq13.1.
Variant type: single nucleotide variant.
Coding change: c.986T>G on transcript NM_001399.5 (MANE Select); coding-DNA position 986, T replaced by G.
Protein change: p.Phe329Cys; replaces phenylalanine 329 with cysteine.
Molecular consequence: missense variant.
Genome position (GRCh38, 1-based): chrX:70,035,419, T>G. VCF-style: chrX-70035419-T-G. GRCh37 (hg19) VCF-style: chrX-69255269-T-G.
Other names: c.980T>G, p.Phe327Cys (NM_001005609.2); c.971T>G, p.Phe324Cys (NM_001005612.3); short protein forms F327C, F329C, F324C.
Identifiers: ClinVar variation 2954664 (VCV002954664.4), dbSNP rs1569407150, ClinGen allele CA413449664.
Genomic context (GRCh38, chrX:70,035,419, plus strand): 5'-TATACTACATCAACTTCACTGACTTTGCCAGCTATGAGGTGGTGGTGGATGAGAAGCCCT[T>G]CCTGCAGTGCACACGCAGCATCGAGACGGGCAAGACCAACTACAACACTTGCTATACCGC-3'
Protein context (NP_001390.1, residues 319-339): SYEVVVDEKP[Phe329Cys]LQCTRSIETG

ClinVar aggregate classification (germline): Conflicting classifications of pathogenicity. Review status: criteria provided, conflicting classifications (1 of 4 stars). 2 submissions from 2 submitters: Likely pathogenic (1); Uncertain significance (1). Last evaluated 2025-07-29.

Conditions:
Hypohidrotic X-linked ectodermal dysplasia (XHED). Also called: Christ-Siemans-Touraine syndrome; Ectodermal Dysplasia 1, Anhidrotic; ECTODERMAL DYSPLASIA, HYPOHIDROTIC, 1; CST SYNDROME; ECTODERMAL DYSPLASIA 1; Anhidrotic ectodermal dysplasia X-linked. Identifiers: Orphanet 181, Orphanet 238468, MedGen C0162359, MONDO:0010585, OMIM 305100.

Submissions (2):

Women's Health and Genetics/Laboratory Corporation of America, LabCorp
Classification: Uncertain significance. Last evaluated: 2025-07-29. Review status: criteria provided, single submitter. Criteria: LabCorp Variant Classification Summary - May 2015. Collection method: clinical testing. Allele origin: germline.
Comment: Variant summary: EDA c.986T>G (p.Phe329Cys) results in a non-conservative amino acid change in the encoded protein sequence. Algorithms developed to predict the effect of missense changes on protein structure and function all suggest that this variant is likely to be disruptive. The variant was absent in 179526 control chromosomes. The available data on variant occurrences in the general population are insufficient to allow any conclusion about variant significance. To our knowledge, no occurrence of c.986T>G in individuals affected with Hypohidrotic Ectodermal Dysplasia and no experimental evidence demonstrating its impact on protein function have been reported. ClinVar contains an entry for this variant (Variation ID: 2954664). Based on the evidence outlined above, the variant was classified as uncertain significance.

Labcorp Genetics (formerly Invitae), Labcorp
Classification: Likely pathogenic for Hypohidrotic X-linked ectodermal dysplasia. Last evaluated: 2023-05-01. Review status: criteria provided, single submitter. Criteria: Invitae Variant Classification Sherloc (09022015). Collection method: clinical testing. Allele origin: germline.
Comment: This sequence change replaces phenylalanine, which is neutral and non-polar, with cysteine, which is neutral and slightly polar, at codon 329 of the EDA protein (p.Phe329Cys). This variant is not present in population databases (gnomAD no frequency). This variant has not been reported in the literature in individuals affected with EDA-related conditions. Advanced modeling of protein sequence and biophysical properties (such as structural, functional, and spatial information, amino acid conservation, physicochemical variation, residue mobility, and thermodynamic stability) performed at Invitae indicates that this missense variant is expected to disrupt EDA protein function. This variant disrupts the p.Phe329 amino acid residue in EDA. Other variant(s) that disrupt this residue have been determined to be pathogenic (Invitae). This suggests that this residue is clinically significant, and that variants that disrupt this residue are likely to be disease-causing. In summary, the currently available evidence indicates that the variant is pathogenic, but additional data are needed to prove that conclusively. Therefore, this variant has been classified as Likely Pathogenic.